The following is an entry in ClinVar:

NM_001017975.6(HFM1):c.2004C>A (p.Ile668=)

Gene: HFM1 (helicase for meiosis 1; minus strand). Cytogenetic location: 1p22.2.
Variant type: single nucleotide variant.
Coding change: c.2004C>A on transcript NM_001017975.6 (MANE Select); coding-DNA position 2004, C replaced by A.
Protein change: p.Ile668=; no amino-acid change (isoleucine 668 retained).
Molecular consequence: synonymous variant.
Genome position (GRCh38, 1-based): chr1:91,351,617, G>T on the plus strand (C>A on the coding strand, the complement: HFM1 is on the minus strand). VCF-style: chr1-91351617-G-T. GRCh37 (hg19) VCF-style: chr1-91817174-G-T.
Identifiers: ClinVar variation 4981768 (VCV004981768.1).
Genomic context (GRCh38, chr1:91,351,617, plus strand): 5'-TACAGTGTCTCTACAAGCTAACATCTGAATGTACTTGTCCCTTGTGCTTAATCGAGTCAT[G>T]ATAACTGCAGTAGCTGTAGTGTCAAACTGGGGAGAAAACAAACAGAAATTTAGTGAAGAA-3'
Protein context (NP_001017975.5, residues 658-678): PQFDTTATAV[Ile668=]MTRLSTRDKY

ClinVar aggregate classification (germline): Benign (1 of 4 stars; one submission).

Conditions:
HFM1-related disorder. Also called: HFM1-related condition.

gnomAD v4.1: 2,021 of 1,599,528 alleles (0.13%); highest among the groups gnomAD compares: East Asian, 2.2%; 18 homozygotes.

Submission:

PreventionGenetics, part of Exact Sciences
Classification: Benign for HFM1-related condition. Last evaluated: 2024-10-31. Review status: criteria provided, single submitter. Criteria: ACMG Guidelines, 2015. Collection method: clinical testing. Allele origin: germline.
Comment: This variant is classified as benign based on ACMG/AMP sequence variant interpretation guidelines (Richards et al. 2015 PMID: 25741868, with internal and published modifications).